The following is an entry in ClinVar:

ClinVar aggregate classification (germline): Likely benign. Review status: criteria provided, multiple submitters, no conflicts (2 of 4 stars). 3 submissions from 3 submitters: Likely benign (3). Last evaluated 2026-05-01.

Conditions:
Familial sleep-related hypermotor epilepsy. Also called: Autosomal Dominant Sleep-Related Hypermotor (Hyperkinetic) Epilepsy. Identifiers: Orphanet 98784, MedGen C3696898, MONDO:0000030.

Allele frequency attached by ClinVar (database versions not stated): ExAC 0.00001; gnomAD exomes 0.00001 and 0.00006; gnomAD 0.00002 and 0.00003; TOPMed 0.00003; 1000 Genomes Project 30x 0.00016; 1000 Genomes Project 0.00020.
gnomAD v4.1: 86 of 1,612,874 alleles (0.0053%); highest among the groups gnomAD compares: Non-Finnish European, 0.0069%; no homozygotes.

Submissions (3):

CeGaT Center for Human Genetics Tuebingen
Classification: Likely benign. Last evaluated: 2026-05-01. Review status: criteria provided, single submitter. Criteria: CeGaT Center For Human Genetics Tuebingen Variant Classification Criteria Version 2. Collection method: clinical testing. Allele origin: germline. Affected: yes. Observed: 1 variant allele.
Comment: CHRNA4: BP4, BP7

Labcorp Genetics (formerly Invitae), Labcorp
Classification: Likely benign. Last evaluated: 2025-01-28. Review status: criteria provided, single submitter. Criteria: Invitae Variant Classification Sherloc (09022015). Collection method: clinical testing. Allele origin: germline.

GeneDx
Classification: Likely benign. Last evaluated: 2017-09-15. Review status: criteria provided, single submitter. Criteria: GeneDx Variant Classification (06012015). Collection method: clinical testing. Allele origin: germline. Affected: yes.
Comment: This variant is considered likely benign or benign based on one or more of the following criteria: it is a conservative change, it occurs at a poorly conserved position in the protein, it is predicted to be benign by multiple in silico algorithms, and/or has population frequency not consistent with disease.

NM_000744.7(CHRNA4):c.1732C>T (p.Leu578=)

Gene: CHRNA4 (cholinergic receptor nicotinic alpha 4 subunit; minus strand). Cytogenetic location: 20q13.33.
Variant type: single nucleotide variant.
Coding change: c.1732C>T on transcript NM_000744.7 (MANE Select); coding-DNA position 1732, C replaced by T.
Protein change: p.Leu578=; no amino-acid change (leucine 578 retained).
Molecular consequence: synonymous variant. On other transcripts: non-coding transcript variant (1).
Genome position (GRCh38, 1-based): chr20:63,349,679, G>A on the plus strand (C>T on the coding strand, the complement: CHRNA4 is on the minus strand). VCF-style: chr20-63349679-G-A. GRCh37 (hg19) VCF-style: chr20-61981031-G-A.
Other names: c.1204C>T, p.Leu402= (NM_001256573.2).
Identifiers: ClinVar variation 512164 (VCV000512164.12), dbSNP rs199506324, ClinGen allele CA9957538.